The following is an entry in ClinVar:

ClinVar aggregate classification (germline): Uncertain significance (1 of 4 stars; one submission).

Submission:

GeneDx
Classification: Uncertain significance. Last evaluated: 2020-02-13. Review status: criteria provided, single submitter. Criteria: GeneDx Variant Classification Process June 2021. Collection method: clinical testing. Allele origin: germline. Affected: yes.
Comment: Has not been previously published as pathogenic or benign to our knowledge

NM_001614.5(ACTG1):c.-6-1G>T

Gene: ACTG1 (actin gamma 1; minus strand). Cytogenetic location: 17q25.3.
Variant type: single nucleotide variant.
Coding change: c.-6-1G>T on transcript NM_001614.5 (MANE Select); the canonical splice acceptor site of the intron before 6 bases upstream of the start codon, G replaced by T.
Molecular consequence: splice acceptor variant.
Genome position (GRCh38, 1-based): chr17:81,512,361, C>A on the plus strand (G>T on the coding strand, the complement: ACTG1 is on the minus strand). VCF-style: chr17-81512361-C-A. GRCh37 (hg19) VCF-style: chr17-79479387-C-A.
Other names: c.-6-1G>T (NM_001199954.3).
Identifiers: ClinVar variation 1315370 (VCV001315370.2), dbSNP rs2031861888, ClinGen allele CA2573054613.